The following is an entry in ClinVar:

NM_025074.7(FRAS1):c.3911_3918del (p.Val1304fs)

Gene: FRAS1 (Fraser extracellular matrix complex subunit 1; plus strand). Cytogenetic location: 4q21.21.
Variant type: Deletion.
Coding change: c.3911_3918del on transcript NM_025074.7 (MANE Select); coding-DNA positions 3911 to 3918, 8 bases deleted (TCTTGCAG; older notation c.3911_3918delTCTTGCAG).
Protein change: p.Val1304fs; shifts the reading frame from valine 1304.
Molecular consequence: frameshift variant.
Genome position (GRCh38, 1-based): chr4:78,387,637-78,387,644, TCTTGCAG deleted; deleting any 8 consecutive bases within chr4:78,387,631-78,387,644 gives the same sequence; the c. name uses the placement nearest the transcript's 3' end. VCF-style (leftmost placement, unchanged base first): chr4-78387630-GTTGCAGTC-G. GRCh37 (hg19) VCF-style: chr4-79308784-GTTGCAGTC-G.
Other names: c.3911_3918del, p.Val1304fs (NM_001166133.2); c.3911_3918delTCTTGCAG (NM_025074.7); short protein forms V1304fs.
Identifiers: ClinVar variation 3697702 (VCV003697702.4).

ClinVar aggregate classification (germline): Pathogenic. Review status: criteria provided, multiple submitters, no conflicts (2 of 4 stars). 2 submissions from 2 submitters: Pathogenic (2). Last evaluated 2025-09-26.

Conditions:
Fraser syndrome 1 (FRASRS1). Also called: CRYPTOPHTHALMOS WITH OTHER MALFORMATIONS. Identifiers: Orphanet 2052, MedGen C4551480, MONDO:0054737, OMIM 219000.

Submissions (2):

Women's Health and Genetics/Laboratory Corporation of America, LabCorp
Classification: Pathogenic for Fraser syndrome 1. Last evaluated: 2025-09-26. Review status: criteria provided, single submitter. Criteria: LabCorp Variant Classification Summary - May 2015. Collection method: clinical testing. Allele origin: germline.
Comment: Variant summary: FRAS1 c.3911_3918delTCTTGCAG (p.Val1304GlyfsX3) results in a premature termination codon, predicted to cause a truncation of the encoded protein or absence of the protein due to nonsense mediated decay, which are commonly known mechanisms for disease. The variant was absent in 245608 control chromosomes. To our knowledge, no occurrence of c.3911_3918delTCTTGCAG in individuals affected with FRAS1-related conditions and no experimental evidence demonstrating its impact on protein function have been reported. ClinVar contains an entry for this variant (Variation ID: 3697702). Based on the evidence outlined above, the variant was classified as pathogenic.

Labcorp Genetics (formerly Invitae), Labcorp
Classification: Pathogenic. Last evaluated: 2024-03-18. Review status: criteria provided, single submitter. Criteria: Invitae Variant Classification Sherloc (09022015). Collection method: clinical testing. Allele origin: germline.
Comment: This sequence change creates a premature translational stop signal (p.Val1304Glyfs*3) in the FRAS1 gene. It is expected to result in an absent or disrupted protein product. Loss-of-function variants in FRAS1 are known to be pathogenic (PMID: 12766769, 18671281). This variant is not present in population databases (gnomAD no frequency). This variant has not been reported in the literature in individuals affected with FRAS1-related conditions. For these reasons, this variant has been classified as Pathogenic.

Literature cited by the submitters: PubMed 12766769 (cited by Labcorp Genetics (formerly Invitae), Labcorp); PubMed 18671281 (cited by Labcorp Genetics (formerly Invitae), Labcorp).